The following is an entry in ClinVar:

NM_000051.4(ATM):c.2829C>T (p.His943=)

Gene: ATM (ATM serine/threonine kinase; plus strand). Cytogenetic location: 11q22.3.
Variant type: single nucleotide variant.
Coding change: c.2829C>T on transcript NM_000051.4 (MANE Select); coding-DNA position 2829, C replaced by T.
Protein change: p.His943=; no amino-acid change (histidine 943 retained).
Molecular consequence: synonymous variant.
Genome position (GRCh38, 1-based): chr11:108,268,600, C>T. VCF-style: chr11-108268600-C-T. GRCh37 (hg19) VCF-style: chr11-108139327-C-T.
Other names: c.2829C>T, p.His943= (NM_001351834.2).
Identifiers: ClinVar variation 3254134 (VCV003254134.2), dbSNP rs1485943190.

ClinVar aggregate classification (germline): Benign/Likely benign. Review status: criteria provided, multiple submitters, no conflicts (2 of 4 stars). 2 submissions from 2 submitters: Benign (1); Likely benign (1). Last evaluated 2024-09-06.

Conditions:
Hereditary cancer-predisposing syndrome. Also called: Hereditary Cancer Syndrome; Tumor predisposition; Hereditary neoplastic syndrome; Neoplastic Syndromes, Hereditary. Identifiers: Orphanet 140162, MedGen C0027672, MeSH D009386, MONDO:0015356.
Familial cancer of breast. Also called: BREAST CANCER, FAMILIAL; Hereditary breast cancer; hereditary breast carcinoma. Identifiers: Orphanet 227535, MedGen C0346153, MONDO:0016419, OMIM 114480. Disease mechanism: loss of function.

Allele frequency attached by ClinVar (database versions not stated): gnomAD exomes below 0.00001.
gnomAD v4.1: 2 of 1,613,846 alleles (0.00012%); highest among the groups gnomAD compares: Non-Finnish European, 0.00017%; no homozygotes.

Submissions (2):

Ambry Genetics
Classification: Likely benign for Hereditary cancer-predisposing syndrome. Last evaluated: 2024-09-06. Review status: criteria provided, single submitter. Criteria: Ambry Variant Classification Scheme 2023. Collection method: clinical testing. Allele origin: germline.

Myriad Genetics, Inc.
Classification: Benign for Familial cancer of breast. Last evaluated: 2024-05-10. Review status: criteria provided, single submitter. Criteria: Myriad Autosomal Dominant, Autosomal Recessive and X-Linked Classification Criteria (2023). Collection method: clinical testing. Allele origin: unknown.
Comment: This variant is considered benign. This variant is a silent/synonymous amino acid change and it is not expected to impact splicing.